The following is an entry in ClinVar:

NM_002470.4(MYH3):c.4925A>G (p.Lys1642Arg)

Gene: MYH3 (myosin heavy chain 3; minus strand). Cytogenetic location: 17p13.1.
Variant type: single nucleotide variant.
Coding change: c.4925A>G on transcript NM_002470.4 (MANE Select); coding-DNA position 4925, A replaced by G.
Protein change: p.Lys1642Arg; replaces lysine 1642 with arginine.
Molecular consequence: missense variant.
Genome position (GRCh38, 1-based): chr17:10,632,507, T>C on the plus strand (A>G on the coding strand, the complement: MYH3 is on the minus strand). VCF-style: chr17-10632507-T-C. GRCh37 (hg19) VCF-style: chr17-10535824-T-C.
Other names: short protein forms K1642R.
Identifiers: ClinVar variation 321722 (VCV000321722.13), dbSNP rs143396252, ClinGen allele CA8392093.

ClinVar aggregate classification (germline): Uncertain significance. Review status: criteria provided, multiple submitters, no conflicts (2 of 4 stars). 3 submissions from 3 submitters: Uncertain significance (3). Last evaluated 2026-02-02.

Conditions:
Inborn genetic diseases. Identifiers: MedGen C0950123, MeSH D030342.

Allele frequency attached by ClinVar (database versions not stated): gnomAD exomes 0.00012 and 0.00007; gnomAD 0.00013 and 0.00012; TOPMed 0.00013; 1000 Genomes Project 0.00040; 1000 Genomes Project 30x 0.00062; ESP Exome Variant Server 0.00008; ExAC 0.00012.
gnomAD v4.1: 125 of 1,614,098 alleles (0.0077%); highest among the groups gnomAD compares: African/African-American, 0.025%; no homozygotes.

Submissions (3):

Labcorp Genetics (formerly Invitae), Labcorp
Classification: Uncertain significance. Last evaluated: 2026-02-02. Review status: criteria provided, single submitter. Criteria: Invitae Variant Classification Sherloc (09022015). Collection method: clinical testing. Allele origin: germline.
Comment: This sequence change replaces lysine, which is basic and polar, with arginine, which is basic and polar, at codon 1642 of the MYH3 protein (p.Lys1642Arg). This variant is present in population databases (rs143396252, gnomAD 0.04%). This variant has not been reported in the literature in individuals affected with MYH3-related conditions. ClinVar contains an entry for this variant (Variation ID: 321722). Invitae Evidence Modeling of protein sequence and biophysical properties (such as structural, functional, and spatial information, amino acid conservation, physicochemical variation, residue mobility, and thermodynamic stability) indicates that this missense variant is not expected to disrupt MYH3 protein function with a negative predictive value of 95%. In summary, the available evidence is currently insufficient to determine the role of this variant in disease. Therefore, it has been classified as a Variant of Uncertain Significance.

Women's Health and Genetics/Laboratory Corporation of America, LabCorp
Classification: Uncertain significance. Last evaluated: 2024-10-09. Review status: criteria provided, single submitter. Criteria: LabCorp Variant Classification Summary - May 2015. Collection method: clinical testing. Allele origin: germline.
Comment: Variant summary: MYH3 c.4925A>G (p.Lys1642Arg) results in a conservative amino acid change located in the Myosin tail domain of the encoded protein sequence. Four of five in-silico tools predict a benign effect of the variant on protein function. The variant allele was found at a frequency of 0.00012 in 250672 control chromosomes. This frequency is not significantly higher than estimated for a pathogenic variant in MYH3 causing MYH3-Related Disorders, allowing no conclusion about variant significance. To our knowledge, no occurrence of c.4925A>G in individuals affected with MYH3-Related Disorders and no experimental evidence demonstrating its impact on protein function have been reported. ClinVar contains an entry for this variant (Variation ID: 321722). Based on the evidence outlined above, the variant was classified as uncertain significance.

Ambry Genetics
Classification: Uncertain significance for Inborn genetic diseases. Last evaluated: 2024-05-30. Review status: criteria provided, single submitter. Criteria: Ambry Variant Classification Scheme 2023. Collection method: clinical testing. Allele origin: germline.